The following is an entry in ClinVar:

NM_003737.4(DCHS1):c.8971C>T (p.Arg2991Trp)

Gene: DCHS1 (dachsous cadherin-related 1; minus strand). Cytogenetic location: 11p15.4.
Variant type: single nucleotide variant.
Coding change: c.8971C>T on transcript NM_003737.4 (MANE Select); coding-DNA position 8971, C replaced by T.
Protein change: p.Arg2991Trp; replaces arginine 2991 with tryptophan.
Molecular consequence: missense variant.
Genome position (GRCh38, 1-based): chr11:6,622,705, G>A on the plus strand (C>T on the coding strand, the complement: DCHS1 is on the minus strand). VCF-style: chr11-6622705-G-A. GRCh37 (hg19) VCF-style: chr11-6643936-G-A.
Other names: c.8971C>T (NM_003737.2); short protein forms R2991W.
Identifiers: ClinVar variation 2180073 (VCV002180073.5), dbSNP rs745798498, ClinGen allele CA5859321.

ClinVar aggregate classification (germline): Uncertain significance. Review status: criteria provided, multiple submitters, no conflicts (2 of 4 stars). 2 submissions from 2 submitters: Uncertain significance (2). Last evaluated 2026-01-27.

Conditions:
Inborn genetic diseases. Identifiers: MedGen C0950123, MeSH D030342.

Allele frequency attached by ClinVar (database versions not stated): gnomAD 0.00003; TOPMed 0.00003; ExAC 0.00004.
gnomAD v4.1: 35 of 1,592,010 alleles (0.0022%); highest among the groups gnomAD compares: African/African-American, 0.004%; no homozygotes.

Submissions (2):

Labcorp Genetics (formerly Invitae), Labcorp
Classification: Uncertain significance. Last evaluated: 2026-01-27. Review status: criteria provided, single submitter. Criteria: Invitae Variant Classification Sherloc (09022015). Collection method: clinical testing. Allele origin: germline.
Comment: This sequence change replaces arginine, which is basic and polar, with tryptophan, which is neutral and slightly polar, at codon 2991 of the DCHS1 protein (p.Arg2991Trp). The frequency data for this variant in the population databases is considered unreliable, as metrics indicate poor data quality at this position in the gnomAD database. This missense change has been observed in individual(s) with thoracic aortic aneurysm/dissection and aortic insufficiency (PMID: 30675029). ClinVar contains an entry for this variant (Variation ID: 2180073). Invitae Evidence Modeling of protein sequence and biophysical properties (such as structural, functional, and spatial information, amino acid conservation, physicochemical variation, residue mobility, and thermodynamic stability) indicates that this missense variant is not expected to disrupt DCHS1 protein function with a negative predictive value of 95%. In summary, the available evidence is currently insufficient to determine the role of this variant in disease. Therefore, it has been classified as a Variant of Uncertain Significance.

Ambry Genetics
Classification: Uncertain significance for Inborn genetic diseases. Last evaluated: 2022-09-06. Review status: criteria provided, single submitter. Criteria: Ambry Variant Classification Scheme 2023. Collection method: clinical testing. Allele origin: germline.

Literature cited by the submitters: PubMed 30675029 (cited by Labcorp Genetics (formerly Invitae), Labcorp).